The following is an entry in ClinVar:

ClinVar aggregate classification (germline): Uncertain significance (1 of 4 stars; one submission).

Allele frequency attached by ClinVar (database versions not stated): gnomAD exomes below 0.00001.
gnomAD v4.1: 1 of 1,606,262 alleles (0.000062%); highest among the groups gnomAD compares: Non-Finnish European, 0.000085%; no homozygotes.

Submission:

Labcorp Genetics (formerly Invitae), Labcorp
Classification: Uncertain significance. Last evaluated: 2022-08-19. Review status: criteria provided, single submitter. Criteria: Invitae Variant Classification Sherloc (09022015). Collection method: clinical testing. Allele origin: germline.
Comment: In summary, the available evidence is currently insufficient to determine the role of this variant in disease. Therefore, it has been classified as a Variant of Uncertain Significance. Algorithms developed to predict the effect of missense changes on protein structure and function are either unavailable or do not agree on the potential impact of this missense change (SIFT: "Deleterious"; PolyPhen-2: "Probably Damaging"; Align-GVGD: "Class C0"). This variant has not been reported in the literature in individuals affected with HACD1-related conditions. This variant is not present in population databases (gnomAD no frequency). This sequence change replaces threonine, which is neutral and polar, with isoleucine, which is neutral and non-polar, at codon 103 of the HACD1 protein (p.Thr103Ile).

NM_014241.4(HACD1):c.308C>T (p.Thr103Ile)

Gene: HACD1 (3-hydroxyacyl-CoA dehydratase 1; minus strand). Cytogenetic location: 10p12.33.
Variant type: single nucleotide variant.
Coding change: c.308C>T on transcript NM_014241.4 (MANE Select); coding-DNA position 308, C replaced by T.
Protein change: p.Thr103Ile; replaces threonine 103 with isoleucine.
Molecular consequence: missense variant.
Genome position (GRCh38, 1-based): chr10:17,603,997, G>A on the plus strand (C>T on the coding strand, the complement: HACD1 is on the minus strand). VCF-style: chr10-17603997-G-A. GRCh37 (hg19) VCF-style: chr10-17645996-G-A.
Other names: short protein forms T103I.
Identifiers: ClinVar variation 2117845 (VCV002117845.4), dbSNP rs2493869345, ClinGen allele CA376196934.